The following is an entry in ClinVar:

ClinVar aggregate classification (germline): Likely pathogenic (1 of 4 stars; one submission).

Conditions:
Primary hyperoxaluria, type I (HP1). Also called: OXALOSIS I; Primary hyperoxaluria type 1; GLYCOLIC ACIDURIA; HEPATIC AGT DEFICIENCY. Identifiers: Orphanet 416, Orphanet 93598, MedGen C0268164, MONDO:0009823, OMIM 259900. Disease mechanism: loss of function.

Submission:

Rare Kidney Stone Consortium and the Mayo Clinic Hyperoxaluria Center, Mayo Clinic
Classification: Likely pathogenic for Primary hyperoxaluria, type I. Last evaluated: 2023-10-27. Review status: criteria provided, single submitter. Criteria: ACMG Guidelines, 2015. Collection method: clinical testing. Allele origin: germline. Affected: yes.
Comment: ACMG:PM2 PP3 PP4 PP5 PP6

Literature cited by the submitters: PubMed 25644115.

NM_000030.3(AGXT):c.292G>C (p.Asp98His)

Gene: AGXT (alanine--glyoxylate aminotransferase; plus strand). Cytogenetic location: 2q37.3.
Variant type: single nucleotide variant.
Coding change: c.292G>C on transcript NM_000030.3 (MANE Select); coding-DNA position 292, G replaced by C.
Protein change: p.Asp98His; replaces aspartic acid 98 with histidine.
Molecular consequence: missense variant.
Genome position (GRCh38, 1-based): chr2:240,869,296, G>C. VCF-style: chr2-240869296-G-C. GRCh37 (hg19) VCF-style: chr2-241808713-G-C.
Other names: short protein forms D98H.
Identifiers: ClinVar variation 2664120 (VCV002664120.1), dbSNP rs2528740306, ClinGen allele CA351313747.